The following is an entry in ClinVar:

ClinVar aggregate classification (germline): Likely pathogenic (1 of 4 stars; one submission).

Conditions:
Dilated cardiomyopathy 1G (CMD1G). Identifiers: Orphanet 154, MedGen C1858763, MONDO:0011400, OMIM 604145.
Autosomal recessive limb-girdle muscular dystrophy type 2J (LGMDR10). Also called: Limb-girdle muscular dystrophy, type 2J; MUSCULAR DYSTROPHY, LIMB-GIRDLE, AUTOSOMAL RECESSIVE 10. Identifiers: Orphanet 140922, MedGen C1837342, MONDO:0012127, OMIM 608807.

gnomAD v4.1: 1 of 1,613,052 alleles (0.000062%); highest among the groups gnomAD compares: East Asian, 0.0022%; no homozygotes.

Submission:

Labcorp Genetics (formerly Invitae), Labcorp
Classification: Likely pathogenic for Dilated cardiomyopathy 1G; Autosomal recessive limb-girdle muscular dystrophy type 2J. Last evaluated: 2019-04-19. Review status: criteria provided, single submitter. Criteria: Invitae Variant Classification Sherloc (09022015). Collection method: clinical testing. Allele origin: germline.
Comment: This sequence change results in a premature translational stop signal in the TTN gene (p.Tyr19947*). While this is not anticipated to result in nonsense mediated decay, it is expected to create a truncated TTN protein. This variant is not present in population databases (ExAC no frequency). This variant has not been reported in the literature in individuals with TTN-related conditions. This variant is located in the A band of TTN (PMID: 25589632). Truncating variants in this region are significantly overrepresented in patients affected with dilated cardiomyopathy (PMID: 25589632). Truncating variants in this region have also been reported in individuals affected with autosomal recessive centronuclear myopathy (PMID: 23975875). In summary, the currently available evidence indicates that the variant is pathogenic, but additional data are needed to prove that conclusively. Therefore, this variant has been classified as Likely Pathogenic.

Literature cited by the submitters: PubMed 25589632; PubMed 23975875.

NM_001267550.2(TTN):c.59841C>A (p.Tyr19947Ter)

Genes: TTN-AS1 (TTN antisense RNA 1; plus strand), TTN (titin; minus strand), LOC126806424 (CDK7 strongly-dependent group 2 enhancer GRCh37_chr2:179456337-179457536; plus strand). Cytogenetic location: 2q31.2.
Variant type: single nucleotide variant.
Coding change: c.59841C>A on transcript NM_001267550.2 (MANE Select); coding-DNA position 59841, C replaced by A.
Protein change: p.Tyr19947Ter; replaces tyrosine 19947 with a stop codon.
Molecular consequence: nonsense.
Genome position (GRCh38, 1-based): chr2:178,592,063, G>T on the plus strand (C>A on the coding strand, the complement: TTN is on the minus strand). VCF-style: chr2-178592063-G-T. GRCh37 (hg19) VCF-style: chr2-179456790-G-T.
Other names: c.54918C>A, p.Tyr18306Ter (NM_001256850.1); c.32646C>A, p.Tyr10882Ter (NM_003319.4); c.52137C>A, p.Tyr17379Ter (NM_133378.4); c.33021C>A, p.Tyr11007Ter (NM_133432.3); c.33222C>A, p.Tyr11074Ter (NM_133437.4); short protein forms Y11007*, Y17379*, Y10882*, Y18306*, Y11074*, Y19947*.
Identifiers: ClinVar variation 835693 (VCV000835693.10), dbSNP rs1413760246, ClinGen allele CA349489517.